The following is an entry in ClinVar:

ClinVar aggregate classification (germline): Uncertain significance. Review status: criteria provided, multiple submitters, no conflicts (2 of 4 stars). 2 submissions from 2 submitters: Uncertain significance (2). Last evaluated 2025-10-11.

Conditions:
Hereditary cancer-predisposing syndrome. Also called: Neoplastic Syndromes, Hereditary; Hereditary neoplastic syndrome; Hereditary Cancer Syndrome; Tumor predisposition. Identifiers: Orphanet 140162, MedGen C0027672, MeSH D009386, MONDO:0015356.
Tuberous sclerosis 2 (TSC2). Identifiers: Orphanet 805, MedGen C1860707, MONDO:0013199, OMIM 613254.

Submissions (2):

Ambry Genetics
Classification: Uncertain significance for Hereditary cancer-predisposing syndrome. Last evaluated: 2025-10-11. Review status: criteria provided, single submitter. Criteria: Ambry Variant Classification Scheme 2023. Collection method: clinical testing. Allele origin: germline.
Comment: The p.Q1115H variant (also known as c.3345G>T), located in coding exon 28 of the TSC2 gene, results from a G to T substitution at nucleotide position 3345. The glutamine at codon 1115 is replaced by histidine, an amino acid with highly similar properties. This amino acid position is conserved. In addition, this alteration is predicted to be deleterious by in silico analysis. Based on the available evidence, the clinical significance of this variant remains unclear.

Labcorp Genetics (formerly Invitae), Labcorp
Classification: Uncertain significance for Tuberous sclerosis 2. Last evaluated: 2019-06-04. Review status: criteria provided, single submitter. Criteria: Invitae Variant Classification Sherloc (09022015). Collection method: clinical testing. Allele origin: germline.
Comment: In summary, the available evidence is currently insufficient to determine the role of this variant in disease. Therefore, it has been classified as a Variant of Uncertain Significance. Algorithms developed to predict the effect of missense changes on protein structure and function are either unavailable or do not agree on the potential impact of this missense change (SIFT: "Deleterious"; PolyPhen-2: "Possibly Damaging"; Align-GVGD: "Class C0"). This variant has not been reported in the literature in individuals with TSC2-related conditions. This variant is not present in population databases (ExAC no frequency). This sequence change replaces glutamine with histidine at codon 1115 of the TSC2 protein (p.Gln1115His). The glutamine residue is highly conserved and there is a small physicochemical difference between glutamine and histidine.

NM_000548.5(TSC2):c.3345G>T (p.Gln1115His)

Gene: TSC2 (TSC complex subunit 2; plus strand). Cytogenetic location: 16p13.3.
Variant type: single nucleotide variant.
Coding change: c.3345G>T on transcript NM_000548.5 (MANE Select); coding-DNA position 3345, G replaced by T.
Protein change: p.Gln1115His; replaces glutamine 1115 with histidine.
Molecular consequence: missense variant.
Genome position (GRCh38, 1-based): chr16:2,079,617, G>T. VCF-style: chr16-2079617-G-T. GRCh37 (hg19) VCF-style: chr16-2129618-G-T.
Other names: c.3213G>T, p.Gln1071His (NM_001370404.1, NM_001077183.3); c.3216G>T, p.Gln1072His (NM_001370405.1, NM_001363528.2, NM_021055.3); c.3345G>T, p.Gln1115His (NM_001114382.3); c.3105G>T, p.Gln1035His (NM_001318827.2); c.3069G>T, p.Gln1023His (NM_001318829.2); c.2613G>T, p.Gln871His (NM_001318831.2); c.3246G>T, p.Gln1082His (NM_001318832.2); short protein forms Q1023H, Q1071H, Q1072H, Q1082H, Q1115H, Q871H, Q1035H.
Identifiers: ClinVar variation 943644 (VCV000943644.10), dbSNP rs1323724570, ClinGen allele CA394286637.